The following is an entry in ClinVar:

NM_002473.6(MYH9):c.2898G>T (p.Lys966Asn)

Genes: MYH9 (myosin heavy chain 9; minus strand), LOC126863137 (CDK7 strongly-dependent group 2 enhancer GRCh37_chr22:36696002-36697201; plus strand). Cytogenetic location: 22q12.3.
Variant type: single nucleotide variant.
Coding change: c.2898G>T on transcript NM_002473.6 (MANE Select); coding-DNA position 2898, G replaced by T.
Protein change: p.Lys966Asn; replaces lysine 966 with asparagine.
Molecular consequence: missense variant.
Genome position (GRCh38, 1-based): chr22:36,300,205, C>A on the plus strand (G>T on the coding strand, the complement: MYH9 is on the minus strand). VCF-style: chr22-36300205-C-A. GRCh37 (hg19) VCF-style: chr22-36696251-C-A.
Other names: short protein forms K966N.
Identifiers: ClinVar variation 3008436 (VCV003008436.3), dbSNP rs1345299849, ClinGen allele CA411392115.
Genomic context (GRCh38, chr22:36,300,205, plus strand): 5'-CTGGTCCTCCAGGATGATCTGCTCCTCCTCCAGCTTTTTCAGCTTCGCCTCGGTGGTCAC[C>A]TTCTCCAGCTGCAGCTTCTGCCGGGCGCTCTCCTCCTCCTCCAGCTGCTCCTCAAGCTCC-3'
Protein context (NP_002464.1, residues 956-976): ESARQKLQLE[Lys966Asn]VTTEAKLKKL

ClinVar aggregate classification (germline): Uncertain significance (1 of 4 stars; one submission).

gnomAD v4.1: 1 of 1,613,502 alleles (0.000062%); highest among the groups gnomAD compares: Non-Finnish European, 0.000085%; no homozygotes.

Submission:

Labcorp Genetics (formerly Invitae), Labcorp
Classification: Uncertain significance. Last evaluated: 2023-09-03. Review status: criteria provided, single submitter. Criteria: Invitae Variant Classification Sherloc (09022015). Collection method: clinical testing. Allele origin: germline.
Comment: In summary, the available evidence is currently insufficient to determine the role of this variant in disease. Therefore, it has been classified as a Variant of Uncertain Significance. Advanced modeling of protein sequence and biophysical properties (such as structural, functional, and spatial information, amino acid conservation, physicochemical variation, residue mobility, and thermodynamic stability) performed at Invitae indicates that this missense variant is not expected to disrupt MYH9 protein function. This variant has not been reported in the literature in individuals affected with MYH9-related conditions. This variant is not present in population databases (gnomAD no frequency). This sequence change replaces lysine, which is basic and polar, with asparagine, which is neutral and polar, at codon 966 of the MYH9 protein (p.Lys966Asn).